The following is an entry in ClinVar:

ClinVar aggregate classification (germline): Uncertain significance (1 of 4 stars; one submission).

Conditions:
Neonatal encephalomyopathy-cardiomyopathy-respiratory distress syndrome. Also called: Coenzyme Q10 deficiency, primary, 7. Identifiers: Orphanet 457185, MedGen C5568562, MONDO:0014562, OMIM 616276.

Submission:

Labcorp Genetics (formerly Invitae), Labcorp
Classification: Uncertain significance for Neonatal encephalomyopathy-cardiomyopathy-respiratory distress syndrome. Last evaluated: 2022-06-29. Review status: criteria provided, single submitter. Criteria: Invitae Variant Classification Sherloc (09022015). Collection method: clinical testing. Allele origin: germline.
Comment: This sequence change replaces serine, which is neutral and polar, with cysteine, which is neutral and slightly polar, at codon 31 of the COQ4 protein (p.Ser31Cys). This variant is not present in population databases (gnomAD no frequency). In summary, the available evidence is currently insufficient to determine the role of this variant in disease. Therefore, it has been classified as a Variant of Uncertain Significance. Algorithms developed to predict the effect of missense changes on protein structure and function are either unavailable or do not agree on the potential impact of this missense change (SIFT: "Deleterious"; PolyPhen-2: "Possibly Damaging"; Align-GVGD: "Class C0"). This variant has not been reported in the literature in individuals affected with COQ4-related conditions.

NM_016035.5(COQ4):c.91A>T (p.Ser31Cys)

Gene: COQ4 (coenzyme Q4; plus strand). Cytogenetic location: 9q34.11.
Variant type: single nucleotide variant.
Coding change: c.91A>T on transcript NM_016035.5 (MANE Select); coding-DNA position 91, A replaced by T.
Protein change: p.Ser31Cys; replaces serine 31 with cysteine.
Molecular consequence: missense variant.
Genome position (GRCh38, 1-based): chr9:128,323,036, A>T. VCF-style: chr9-128323036-A-T. GRCh37 (hg19) VCF-style: chr9-131085315-A-T.
Other names: c.91A>T, p.Ser31Cys (NM_001305942.2); short protein forms S31C.
Identifiers: ClinVar variation 2012191 (VCV002012191.4), dbSNP rs2539410184, ClinGen allele CA375017294.